The following is an entry in ClinVar:

ClinVar aggregate classification (germline): Likely benign. Review status: criteria provided, multiple submitters, no conflicts (2 of 4 stars). 3 submissions from 3 submitters: Likely benign (3). Last evaluated 2025-11-17.

Conditions:
ZIC2-related disorder. Also called: ZIC2-related condition.
Holoprosencephaly 5 (HPE5). Identifiers: Orphanet 2162, MedGen C1864827, MONDO:0012322, OMIM 609637.

Allele frequency attached by ClinVar (database versions not stated): ExAC below 0.00001; gnomAD 0.00014; TOPMed 0.00018.

Submissions (3):

PreventionGenetics, part of Exact Sciences
Classification: Likely benign for ZIC2-related condition. Last evaluated: 2025-11-17. Review status: criteria provided, single submitter. Criteria: ACMG Guidelines, 2015. Collection method: clinical testing. Allele origin: germline.
Comment: This variant is classified as likely benign based on ACMG/AMP sequence variant interpretation guidelines (Richards et al. 2015 PMID: 25741868, with internal and published modifications).

Labcorp Genetics (formerly Invitae), Labcorp
Classification: Likely benign for Holoprosencephaly 5. Last evaluated: 2025-09-08. Review status: criteria provided, single submitter. Criteria: Invitae Variant Classification Sherloc (09022015). Collection method: clinical testing. Allele origin: germline.

GeneDx
Classification: Likely benign. Last evaluated: 2016-07-19. Review status: criteria provided, single submitter. Criteria: GeneDx Variant Classification (06012015). Collection method: clinical testing. Allele origin: germline. Affected: yes.
Comment: This variant is considered likely benign or benign based on one or more of the following criteria: it is a conservative change, it occurs at a poorly conserved position in the protein, it is predicted to be benign by multiple in silico algorithms, and/or has population frequency not consistent with disease.

NM_007129.5(ZIC2):c.459G>T (p.Ala153=)

Gene: ZIC2 (Zic family zinc finger 2; plus strand). Cytogenetic location: 13q32.3.
Variant type: single nucleotide variant.
Coding change: c.459G>T on transcript NM_007129.5 (MANE Select); coding-DNA position 459, G replaced by T.
Protein change: p.Ala153=; no amino-acid change (alanine 153 retained).
Molecular consequence: synonymous variant.
Genome position (GRCh38, 1-based): chr13:99,982,523, G>T. VCF-style: chr13-99982523-G-T. GRCh37 (hg19) VCF-style: chr13-100634777-G-T.
Identifiers: ClinVar variation 387733 (VCV000387733.9), dbSNP rs771629736, ClinGen allele CA7032803.
Genomic context (GRCh38, chr13:99,982,523, plus strand): 5'-CGGGCAGCACGGGCTGTTCGGGCCGGGCGCGGGCGGCCTGCACCACGCGCACTCGGACGC[G>T]CAGGGCCACCTCCTCTTCCCGGGCCTGCCAGAGCAGCACGGGCCGCACGGCTCGCAGAAT-3'
Protein context (NP_009060.2, residues 143-163): AGGLHHAHSD[Ala153=]QGHLLFPGLP